The following is an entry in ClinVar:

ClinVar aggregate classification (germline): Uncertain significance. Review status: criteria provided, multiple submitters, no conflicts (2 of 4 stars). 2 submissions from 2 submitters: Uncertain significance (2). Last evaluated 2022-06-08.

Conditions:
Bardet-Biedl syndrome (BBS). Identifiers: Orphanet 110, MedGen C0752166, MONDO:0015229.

Submissions (2):

Labcorp Genetics (formerly Invitae), Labcorp
Classification: Uncertain significance for Bardet-Biedl syndrome. Last evaluated: 2022-06-08. Review status: criteria provided, single submitter. Criteria: Invitae Variant Classification Sherloc (09022015). Collection method: clinical testing. Allele origin: germline.
Comment: This sequence change replaces leucine, which is neutral and non-polar, with phenylalanine, which is neutral and non-polar, at codon 386 of the BBS10 protein (p.Leu386Phe). This variant is present in population databases (rs138702315, gnomAD 0.004%). This variant has not been reported in the literature in individuals affected with BBS10-related conditions. Algorithms developed to predict the effect of missense changes on protein structure and function (SIFT, PolyPhen-2, Align-GVGD) all suggest that this variant is likely to be tolerated. In summary, the available evidence is currently insufficient to determine the role of this variant in disease. Therefore, it has been classified as a Variant of Uncertain Significance.

Blueprint Genetics
Classification: Uncertain significance. Last evaluated: 2021-12-02. Review status: criteria provided, single submitter. Criteria: ACMG Guidelines, 2015. Collection method: clinical testing. Allele origin: germline.

NM_024685.4(BBS10):c.1158G>C (p.Leu386Phe)

Gene: BBS10 (Bardet-Biedl syndrome 10; minus strand). Cytogenetic location: 12q21.2.
Variant type: single nucleotide variant.
Coding change: c.1158G>C on transcript NM_024685.4 (MANE Select); coding-DNA position 1158, G replaced by C.
Protein change: p.Leu386Phe; replaces leucine 386 with phenylalanine.
Molecular consequence: missense variant.
Genome position (GRCh38, 1-based): chr12:76,346,827, C>G on the plus strand (G>C on the coding strand, the complement: BBS10 is on the minus strand). VCF-style: chr12-76346827-C-G. GRCh37 (hg19) VCF-style: chr12-76740607-C-G.
Other names: short protein forms L386F.
Identifiers: ClinVar variation 2193025 (VCV002193025.2), dbSNP rs138702315, ClinGen allele CA6694216.
Genomic context (GRCh38, chr12:76,346,827, plus strand): 5'-GAGACCATGCACTGGTCCACAAAGAACTATAGAGTGTGGTATAAATGCACATGTGCTTAT[C>G]AAGCCTAGATGAACATATCTTTTGGATCTAAGGATAAGAGGTTTACAAAATTTCACCAAA-3'
Protein context (NP_078961.3, residues 376-396): LRSKRYVHLG[Leu386Phe]ISTCAFIPHS